The following is an entry in ClinVar:

ClinVar aggregate classification (germline): Pathogenic (1 of 4 stars; one submission).

Conditions:
POLG-related disorder. Also called: POLG-Related Spectrum Disorders; POLG-related condition; POLG-Related Disorders. Identifiers: MedGen C4763519.

Submission:

Myriad Genetics, Inc.
Classification: Pathogenic for POLG-related disorder. Last evaluated: 2024-11-27. Review status: criteria provided, single submitter. Criteria: Myriad Autosomal Dominant, Autosomal Recessive and X-Linked Classification Criteria (2023). Collection method: clinical testing. Allele origin: unknown.
Comment: NM_002693.2(POLG):c.158_159ins8(P56Hfs*213) is expected to be pathogenic in the context of POLG-related disorders. This variant is predicted to lead to an abnormal or absent protein product due to the creation of a premature termination codon in POLG, a gene where loss-of-function variants are known to be pathogenic. Please note: this variant was assessed in the context of healthy population screening.

NM_002693.3(POLG):c.158_159insGCAGCAAC (p.Pro56fs)

Genes: POLG (DNA polymerase gamma, catalytic subunit; minus strand), POLGARF (POLG alternative reading frame; minus strand). Cytogenetic location: 15q26.1.
Variant type: Insertion.
Coding change: c.158_159insGCAGCAAC on transcript NM_002693.3 (MANE Select); coding-DNA positions 158 to 159, GCAGCAAC inserted.
Protein change: p.Pro56fs; shifts the reading frame from proline 56.
Molecular consequence: frameshift variant.
Genome position: GRCh38 VCF-style: chr15-89333596-T-TGTTGCTGC. GRCh37 (hg19) VCF-style: chr15-89876827-T-TGTTGCTGC.
Other names: c.213_214insGCAGCAAC, p.Thr72fs (NM_001430120.1); c.158_159insGCAGCAAC, p.Pro56fs (NM_001126131.2); short protein forms P56fs, T72fs.
Identifiers: ClinVar variation 5013814 (VCV005013814.1).